The following is an entry in ClinVar:

ClinVar aggregate classification (germline): Pathogenic (3 of 4 stars; one submission).

Conditions:
Breast-ovarian cancer, familial, susceptibility to, 2 (BROVCA2). Also called: BRCA2 Hereditary Breast and Ovarian Cancer. Identifiers: Orphanet 145, MedGen C2675520, MONDO:0012933, OMIM 612555. Disease mechanism: loss of function.

Submission:

Evidence-based Network for the Interpretation of Germline Mutant Alleles (ENIGMA)
Classification: Pathogenic for Breast-ovarian cancer, familial, susceptibility to, 2. Last evaluated: 2016-09-08. Review status: reviewed by expert panel. Criteria: ENIGMA BRCA1/2 Classification Criteria (2015). Collection method: curation. Allele origin: germline.
Comment: Variant allele predicted to encode a truncated non-functional protein.

NM_000059.4(BRCA2):c.4252_4255delinsT (p.Ile1418_Lys1419delinsTer)

Gene: BRCA2 (BRCA2 DNA repair associated; plus strand). Cytogenetic location: 13q13.1.
Variant type: Indel.
Coding change: c.4252_4255delinsT on transcript NM_000059.4 (MANE Select); coding-DNA positions 4252 to 4255, ATAA replaced by T.
Protein change: p.Ile1418_Lys1419delinsTer.
Molecular consequence: nonsense.
Genome position (GRCh38, 1-based): chr13:32,338,607-32,338,610, ATAA replaced by T. VCF-style: chr13-32338607-ATAA-T. GRCh37 (hg19) VCF-style: chr13-32912744-ATAA-T.
Other names: c.4252_4255delATAAinsT (NM_000059.3).
Identifiers: ClinVar variation 254533 (VCV000254533.2), dbSNP rs886038102, ClinGen allele CA10586521.